The following is an entry in ClinVar:

NM_004187.5(KDM5C):c.2669C>T (p.Ala890Val)

Gene: KDM5C (lysine demethylase 5C; minus strand). Cytogenetic location: Xp11.22.
Variant type: single nucleotide variant.
Coding change: c.2669C>T on transcript NM_004187.5 (MANE Select); coding-DNA position 2669, C replaced by T.
Protein change: p.Ala890Val; replaces alanine 890 with valine.
Molecular consequence: missense variant. On other transcripts: non-coding transcript variant (3).
Genome position (GRCh38, 1-based): chrX:53,196,998, G>A on the plus strand (C>T on the coding strand, the complement: KDM5C is on the minus strand). VCF-style: chrX-53196998-G-A. GRCh37 (hg19) VCF-style: chrX-53226180-G-A.
Other names: c.2468C>T, p.Ala823Val (NM_001146702.2); c.2666C>T, p.Ala889Val (NM_001282622.3, NM_001353979.2, NM_001353982.2); c.2669C>T, p.Ala890Val (NM_001353978.3, NM_001353981.2, NM_001353984.2); short protein forms A823V, A889V, A890V.
Identifiers: ClinVar variation 3897219 (VCV003897219.1).
Genomic context (GRCh38, chrX:53,196,998, plus strand): 5'-TGCCGCCCCCTCTCCAACAGGGACTGCAGTAGCCCTGGACTGGAGGGCAGTGAGGCCAGG[G>A]CCTCACGAGCCTCAGCCTGGTAGGCCTCCACCTGTTCCAGAACACCCTACCAGGACACAG-3'
Protein context (NP_004178.2, residues 880-900): VEAYQAEARE[Ala890Val]LASLPSSPGL

ClinVar aggregate classification (germline): Uncertain significance (1 of 4 stars; one submission).

Submission:

GeneDx
Classification: Uncertain significance. Last evaluated: 2024-11-05. Review status: criteria provided, single submitter. Criteria: GeneDx Variant Classification Process June 2021. Collection method: clinical testing. Allele origin: germline. Affected: yes.
Comment: Not observed at significant frequency in large population cohorts (gnomAD); In silico analysis indicates that this missense variant does not alter protein structure/function; Has not been previously published as pathogenic or benign to our knowledge